The following is an entry in ClinVar:

NM_002439.5(MSH3):c.2450A>T (p.His817Leu)

Gene: MSH3 (mutS homolog 3; plus strand). Cytogenetic location: 5q14.1.
Variant type: single nucleotide variant.
Coding change: c.2450A>T on transcript NM_002439.5 (MANE Select); coding-DNA position 2450, A replaced by T.
Protein change: p.His817Leu; replaces histidine 817 with leucine.
Molecular consequence: missense variant.
Genome position (GRCh38, 1-based): chr5:80,787,579, A>T. VCF-style: chr5-80787579-A-T. GRCh37 (hg19) VCF-style: chr5-80083398-A-T.
Other names: c.2450A>T (NM_002439.3); short protein forms H817L.
Identifiers: ClinVar variation 860151 (VCV000860151.13), dbSNP rs764649920, ClinGen allele CA360282991.

ClinVar aggregate classification (germline): Uncertain significance. Review status: criteria provided, multiple submitters, no conflicts (2 of 4 stars). 3 submissions from 3 submitters: Uncertain significance (3). Last evaluated 2025-09-22.

Conditions:
Hereditary cancer-predisposing syndrome. Also called: Tumor predisposition; Hereditary neoplastic syndrome; Neoplastic Syndromes, Hereditary; Hereditary Cancer Syndrome. Identifiers: Orphanet 140162, MedGen C0027672, MeSH D009386, MONDO:0015356.

Allele frequency attached by ClinVar (database versions not stated): TOPMed 0.00001.
gnomAD v4.1: 3 of 1,613,352 alleles (0.00019%); highest among the groups gnomAD compares: Non-Finnish European, 0.00025%; no homozygotes.

Submissions (3):

Labcorp Genetics (formerly Invitae), Labcorp
Classification: Uncertain significance. Last evaluated: 2025-09-22. Review status: criteria provided, single submitter. Criteria: Invitae Variant Classification Sherloc (09022015). Collection method: clinical testing. Allele origin: germline.
Comment: This sequence change replaces histidine, which is basic and polar, with leucine, which is neutral and non-polar, at codon 817 of the MSH3 protein (p.His817Leu). This variant is not present in population databases (gnomAD no frequency). This variant has not been reported in the literature in individuals affected with MSH3-related conditions. ClinVar contains an entry for this variant (Variation ID: 860151). An algorithm developed to predict the effect of missense changes on protein structure and function (PolyPhen-2) suggests that this variant is likely to be disruptive. In summary, the available evidence is currently insufficient to determine the role of this variant in disease. Therefore, it has been classified as a Variant of Uncertain Significance.

Ambry Genetics
Classification: Uncertain significance for Hereditary cancer-predisposing syndrome. Last evaluated: 2025-03-18. Review status: criteria provided, single submitter. Criteria: Ambry Variant Classification Scheme 2023. Collection method: clinical testing. Allele origin: germline.
Comment: The p.H817L variant (also known as c.2450A>T), located in coding exon 18 of the MSH3 gene, results from an A to T substitution at nucleotide position 2450. The histidine at codon 817 is replaced by leucine, an amino acid with similar properties. This amino acid position is highly conserved in available vertebrate species. In addition, this alteration is predicted to be deleterious by in silico analysis. Based on the available evidence, the clinical significance of this variant remains unclear.

Sema4
Classification: Uncertain significance for Hereditary cancer-predisposing syndrome. Last evaluated: 2022-01-03. Review status: criteria provided, single submitter. Criteria: Sema4 Curation Guidelines. Collection method: curation. Allele origin: germline.
Comment: The MSH3 c.2450A>T (p.H817L) variant has not been reported in the literature to our knowledge. It was not observed in the large and broad cohorts of the Genome Aggregation Database. The variant has been reported in ClinVar (Variation ID 860151). In silico tools suggest the impact of the variant on protein function is deleterious, though these predictions have not been confirmed by functional studies. The evidence is insufficient to meet ACMG/AMP criteria for classifying the variant as benign or pathogenic. Thus, the clinical significance of this variant is currently uncertain.